The following is an entry in ClinVar:

ClinVar aggregate classification (germline): Uncertain significance. Review status: criteria provided, multiple submitters, no conflicts (2 of 4 stars). 2 submissions from 2 submitters: Uncertain significance (2). Last evaluated 2025-11-04.

Conditions:
Hereditary cancer-predisposing syndrome. Also called: Neoplastic Syndromes, Hereditary; Tumor predisposition; Hereditary neoplastic syndrome; Hereditary Cancer Syndrome. Identifiers: Orphanet 140162, MedGen C0027672, MeSH D009386, MONDO:0015356.
Familial adenomatous polyposis 1 (FAP1). Also called: POLYPOSIS, ADENOMATOUS INTESTINAL; FAMILIAL ADENOMATOUS POLYPOSIS 1, ATTENUATED. Identifiers: MedGen C2713442, MONDO:0021056, OMIM 175100. Disease mechanism: loss of function.

Submissions (2):

Ambry Genetics
Classification: Uncertain significance for Hereditary cancer-predisposing syndrome. Last evaluated: 2025-11-04. Review status: criteria provided, single submitter. Criteria: Ambry Variant Classification Scheme 2023. Collection method: clinical testing. Allele origin: germline.
Comment: The p.S2258F variant (also known as c.6773C>T), located in coding exon 15 of the APC gene, results from a C to T substitution at nucleotide position 6773. The serine at codon 2258 is replaced by phenylalanine, an amino acid with highly dissimilar properties. This amino acid position is well conserved in available vertebrate species. In addition, in silico predictors for this gene do not accurately predict pathogenicity. Missense variants in APC are not a common cause of disease (Spier I et al. Genet Med. 2024 Feb;26(2):100992). Based on the available evidence, the clinical significance of this variant remains unclear.

Labcorp Genetics (formerly Invitae), Labcorp
Classification: Uncertain significance for Familial adenomatous polyposis 1. Last evaluated: 2023-07-28. Review status: criteria provided, single submitter. Criteria: Invitae Variant Classification Sherloc (09022015). Collection method: clinical testing. Allele origin: germline.
Comment: This sequence change replaces serine, which is neutral and polar, with phenylalanine, which is neutral and non-polar, at codon 2258 of the APC protein (p.Ser2258Phe). This variant is not present in population databases (gnomAD no frequency). This variant has not been reported in the literature in individuals affected with APC-related conditions. ClinVar contains an entry for this variant (Variation ID: 826612). Advanced modeling of protein sequence and biophysical properties (such as structural, functional, and spatial information, amino acid conservation, physicochemical variation, residue mobility, and thermodynamic stability) performed at Invitae indicates that this missense variant is not expected to disrupt APC protein function. In summary, the available evidence is currently insufficient to determine the role of this variant in disease. Therefore, it has been classified as a Variant of Uncertain Significance.

NM_000038.6(APC):c.6773C>T (p.Ser2258Phe)

Gene: APC (APC regulator of Wnt signaling pathway; plus strand). Cytogenetic location: 5q22.2.
Variant type: single nucleotide variant.
Coding change: c.6773C>T on transcript NM_000038.6 (MANE Select); coding-DNA position 6773, C replaced by T.
Protein change: p.Ser2258Phe; replaces serine 2258 with phenylalanine.
Molecular consequence: missense variant.
Genome position (GRCh38, 1-based): chr5:112,842,367, C>T. VCF-style: chr5-112842367-C-T. GRCh37 (hg19) VCF-style: chr5-112178064-C-T.
Other names: c.6773C>T, p.Ser2258Phe (NM_001127510.3, NM_001354895.2); c.6719C>T, p.Ser2240Phe (NM_001127511.3); c.6827C>T, p.Ser2276Phe (NM_001354896.2); c.6803C>T, p.Ser2268Phe (NM_001354897.2); c.6698C>T, p.Ser2233Phe (NM_001354898.2); c.6689C>T, p.Ser2230Phe (NM_001354899.2); c.6650C>T, p.Ser2217Phe (NM_001354900.2); c.6596C>T, p.Ser2199Phe (NM_001354901.2); and 5 more; short protein forms S2258F, S2157F, S2167F, S2217F, S2233F, S2240F, S2268F, S1975F.
Identifiers: ClinVar variation 826612 (VCV000826612.8), dbSNP rs1580674532, ClinGen allele CA16036126.
Genomic context (GRCh38, chr5:112,842,367, plus strand): 5'-ATAGCTCCTCAAGTACAAGTCCTGTTTCTAAAAAAGGCCCACCCCTTAAGACTCCAGCCT[C>T]CAAAAGCCCTAGTGAAGGTCAAACAGCCACCACTTCTCCTAGAGGAGCCAAGCCATCTGT-3'
Protein context (NP_000029.2, residues 2248-2268): KKGPPLKTPA[Ser2258Phe]KSPSEGQTAT